The following is an entry in ClinVar:

NM_001256789.3(CACNA1F):c.1933A>G (p.Ile645Val)

Gene: CACNA1F (calcium voltage-gated channel subunit alpha1 F; minus strand). Cytogenetic location: Xp11.23.
Variant type: single nucleotide variant.
Coding change: c.1933A>G on transcript NM_001256789.3 (MANE Select); coding-DNA position 1933, A replaced by G.
Protein change: p.Ile645Val; replaces isoleucine 645 with valine.
Molecular consequence: missense variant.
Genome position (GRCh38, 1-based): chrX:49,223,081, T>C on the plus strand (A>G on the coding strand, the complement: CACNA1F is on the minus strand). VCF-style: chrX-49223081-T-C. GRCh37 (hg19) VCF-style: chrX-49079540-T-C.
Other names: c.1771A>G, p.Ile591Val (NM_001256790.3); c.1966A>G, p.Ile656Val (NM_005183.4); c.1966A>G (NM_005183.2); short protein forms I591V, I645V, I656V.
Identifiers: ClinVar variation 1054585 (VCV001054585.10), dbSNP rs1344295491, ClinGen allele CA412912668.

ClinVar aggregate classification (germline): Uncertain significance. Review status: criteria provided, multiple submitters, no conflicts (2 of 4 stars). 2 submissions from 2 submitters: Uncertain significance (2). Last evaluated 2025-06-17.

Allele frequency attached by ClinVar (database versions not stated): gnomAD 0.00001; gnomAD exomes 0.00001; TOPMed 0.00002.
gnomAD v4.1: 7 of 1,200,838 alleles (0.00058%); highest among the groups gnomAD compares: African/African-American, 0.0035%; no homozygotes.

Submissions (2):

GeneDx
Classification: Uncertain significance. Last evaluated: 2025-06-17. Review status: criteria provided, single submitter. Criteria: GeneDx Variant Classification Process June 2021. Collection method: clinical testing. Allele origin: germline. Affected: yes.
Comment: Not observed at significant frequency in large population cohorts (gnomAD); In silico analysis suggests that this missense variant does not alter protein structure/function; Has not been previously published as pathogenic or benign to our knowledge

Labcorp Genetics (formerly Invitae), Labcorp
Classification: Uncertain significance. Last evaluated: 2022-07-19. Review status: criteria provided, single submitter. Criteria: Invitae Variant Classification Sherloc (09022015). Collection method: clinical testing. Allele origin: germline.
Comment: In summary, the available evidence is currently insufficient to determine the role of this variant in disease. Therefore, it has been classified as a Variant of Uncertain Significance. Algorithms developed to predict the effect of missense changes on protein structure and function are either unavailable or do not agree on the potential impact of this missense change (SIFT: "Deleterious"; PolyPhen-2: "Possibly Damaging"; Align-GVGD: "Class C0"). ClinVar contains an entry for this variant (Variation ID: 1054585). This variant has not been reported in the literature in individuals affected with CACNA1F-related conditions. This variant is not present in population databases (gnomAD no frequency). This sequence change replaces isoleucine, which is neutral and non-polar, with valine, which is neutral and non-polar, at codon 656 of the CACNA1F protein (p.Ile656Val).